The following is an entry in ClinVar:

ClinVar aggregate classification (germline): Uncertain significance (1 of 4 stars; one submission).

Conditions:
Hereditary cancer-predisposing syndrome. Also called: Neoplastic Syndromes, Hereditary; Tumor predisposition; Hereditary Cancer Syndrome; Hereditary neoplastic syndrome. Identifiers: Orphanet 140162, MedGen C0027672, MeSH D009386, MONDO:0015356.

Submission:

Ambry Genetics
Classification: Uncertain significance for Hereditary cancer-predisposing syndrome. Last evaluated: 2026-01-21. Review status: criteria provided, single submitter. Criteria: Ambry Variant Classification Scheme 2023. Collection method: clinical testing. Allele origin: germline.
Comment: The c.477C>T variant (also known as p.D159D), located in coding exon 4 of the SMARCB1 gene, results from a C to T substitution at nucleotide position 477. This nucleotide substitution does not change the aspartic acid at codon 159. This nucleotide position is well conserved in available vertebrate species. In silico splice site analysis for this alteration is inconclusive. Based on the available evidence, the clinical significance of this variant remains unclear.

NM_003073.5(SMARCB1):c.477C>T (p.Asp159=)

Gene: SMARCB1 (SWI/SNF related BAF chromatin remodeling complex subunit B1; plus strand). Cytogenetic location: 22q11.23.
Variant type: single nucleotide variant.
Coding change: c.477C>T on transcript NM_003073.5 (MANE Select); coding-DNA position 477, C replaced by T.
Protein change: p.Asp159=; no amino-acid change (aspartic acid 159 retained).
Molecular consequence: synonymous variant.
Genome position (GRCh38, 1-based): chr22:23,801,058, C>T. VCF-style: chr22-23801058-C-T. GRCh37 (hg19) VCF-style: chr22-24143245-C-T.
Other names: c.450C>T, p.Asp150= (NM_001007468.3, NM_001317946.2); c.477C>T, p.Asp159= (NM_001362877.2).
Identifiers: ClinVar variation 4836060 (VCV004836060.1).
Genomic context (GRCh38, chr22:23,801,058, plus strand): 5'-CCACCACTTAGATGCCGTGCCATGCTCCACAACCATCAACAGGAACCGCATGGGCCGAGA[C>T]AAGAAGAGAACCTTCCCCCTTTGGTGTGGATGCATCGCTGCACTCACCCTCCGTGCTGAT-3'
Protein context (NP_003064.2, residues 149-169): TTINRNRMGR[Asp159=]KKRTFPLCFD